The following is an entry in ClinVar:

ClinVar aggregate classification (germline): Pathogenic (1 of 4 stars; one submission).

Conditions:
Familial focal epilepsy with variable foci (FPEVF). Identifiers: Orphanet 98820, MedGen C1858477, MONDO:0020310.

Submission:

Labcorp Genetics (formerly Invitae), Labcorp
Classification: Pathogenic for Familial focal epilepsy with variable foci. Last evaluated: 2024-01-21. Review status: criteria provided, single submitter. Criteria: Invitae Variant Classification Sherloc (09022015). Collection method: clinical testing. Allele origin: germline.
Comment: This sequence change creates a premature translational stop signal (p.Tyr1429*) in the DEPDC5 gene. It is expected to result in an absent or disrupted protein product. Loss-of-function variants in DEPDC5 are known to be pathogenic (PMID: 23542697, 23542701). This variant is not present in population databases (gnomAD no frequency). This variant has not been reported in the literature in individuals affected with DEPDC5-related conditions. Algorithms developed to predict the effect of sequence changes on RNA splicing suggest that this variant may disrupt the consensus splice site. For these reasons, this variant has been classified as Pathogenic.

Literature cited by the submitters: PubMed 23542697; PubMed 23542701.

NM_001242896.3(DEPDC5):c.4287C>A (p.Tyr1429Ter)

Gene: DEPDC5 (DEP domain containing 5, GATOR1 subcomplex subunit; plus strand). Cytogenetic location: 22q12.3.
Variant type: single nucleotide variant.
Coding change: c.4287C>A on transcript NM_001242896.3 (MANE Select); coding-DNA position 4287, C replaced by A.
Protein change: p.Tyr1429Ter; replaces tyrosine 1429 with a stop codon.
Molecular consequence: nonsense. On other transcripts: non-coding transcript variant (5).
Genome position (GRCh38, 1-based): chr22:31,897,565, C>A. VCF-style: chr22-31897565-C-A. GRCh37 (hg19) VCF-style: chr22-32293551-C-A.
Other names: c.4260C>A, p.Tyr1420Ter (NM_001136029.4); c.3987C>A, p.Tyr1329Ter (NM_001242897.2); c.4221C>A, p.Tyr1407Ter (NM_001363852.2, NM_001364320.2); c.4053C>A, p.Tyr1351Ter (NM_001363854.2, NM_001364319.2); c.4287C>A, p.Tyr1429Ter (NM_001364318.2); c.4203C>A, p.Tyr1401Ter (NM_001369901.1, NM_001369902.1); c.4194C>A, p.Tyr1398Ter (NM_001369903.1, NM_014662.6); short protein forms Y1351*, Y1407*, Y1329*, Y1420*, Y1429*, Y1398*, Y1401*.
Identifiers: ClinVar variation 2710542 (VCV002710542.3), dbSNP rs1569232705, ClinGen allele CA411288399.
Genomic context (GRCh38, chr22:31,897,565, plus strand): 5'-CACCTCCTGTGGCTTCTTGTTAGTCCCAGTTTTGGAGGGGCCTTTTGCACTGCCCAGTTA[C>A]CTGTATGGCGACCCCCTTCGTGCCCAGCTCTTCATCCCACTCAACATCAGCTGCTTGCTC-3'